The following is an entry in ClinVar:

NM_015874.6(RBPJ):c.155G>C (p.Arg52Thr)

Genes: RBPJ (recombination signal binding protein for immunoglobulin kappa J region; plus strand), LOC126807011 (MED14-independent group 3 enhancer GRCh37_chr4:26407341-26408540; plus strand). Cytogenetic location: 4p15.2.
Variant type: single nucleotide variant.
Coding change: c.155G>C on transcript NM_015874.6 (MANE Select); coding-DNA position 155, G replaced by C.
Protein change: p.Arg52Thr; replaces arginine 52 with threonine.
Molecular consequence: missense variant.
Genome position (GRCh38, 1-based): chr4:26,406,270, G>C. VCF-style: chr4-26406270-G-C. GRCh37 (hg19) VCF-style: chr4-26407892-G-C.
Other names: c.89G>C, p.Arg30Thr (NM_001363577.2, NM_203283.5); c.194G>C, p.Arg65Thr (NM_001374400.1, NM_001379408.1, NM_005349.4); c.152G>C, p.Arg51Thr (NM_001374401.1, NM_001374402.1, NM_001374403.1 and 3 more transcripts); c.149G>C, p.Arg50Thr (NM_001379409.1); short protein forms R30T, R50T, R51T, R52T, R65T.
Identifiers: ClinVar variation 1803755 (VCV001803755.1), dbSNP rs2475204247, ClinGen allele CA356669466.

ClinVar aggregate classification (germline): Likely pathogenic (1 of 4 stars; one submission).

Conditions:
Adams-Oliver syndrome 3 (AOS3). Identifiers: Orphanet 974, MedGen C3553748, MONDO:0013895, OMIM 614814.

Submission:

HudsonAlpha Institute for Biotechnology
Classification: Likely pathogenic for Adams-Oliver syndrome 3. Last evaluated: 2022-10-31. Review status: criteria provided, single submitter. Criteria: ACMG Guidelines, 2015. Collection method: research. Allele origin: unknown. Affected: yes. Observed: 1 variant allele. Study: HudsonAlpha-AGHI-WGS.
Comment: ACMG codes:PM1_moderate, PM2_Moderate, PP2_Supporting, PP3_Supporting